The following is an entry in ClinVar:

NM_003108.4(SOX11):c.159G>A (p.Met53Ile)

Gene: SOX11 (SRY-box transcription factor 11; plus strand). Cytogenetic location: 2p25.2.
Variant type: single nucleotide variant.
Coding change: c.159G>A on transcript NM_003108.4 (MANE Select); coding-DNA position 159, G replaced by A.
Protein change: p.Met53Ile; replaces methionine 53 with isoleucine.
Molecular consequence: missense variant.
Genome position (GRCh38, 1-based): chr2:5,692,880, G>A. VCF-style: chr2-5692880-G-A. GRCh37 (hg19) VCF-style: chr2-5833012-G-A.
Other names: short protein forms M53I.
Identifiers: ClinVar variation 2443010 (VCV002443010.1), dbSNP rs2465087401, ClinGen allele CA345866067.
Genomic context (GRCh38, chr2:5,692,880, plus strand): 5'-CCTGGACGAGAGCGACCCAGACTGGTGCAAGACGGCGTCGGGCCACATCAAGCGGCCGAT[G>A]AACGCGTTCATGGTATGGTCCAAGATCGAACGCAGGAAGATCATGGAGCAGTCTCCGGAC-3'
Protein context (NP_003099.1, residues 43-63): KTASGHIKRP[Met53Ile]NAFMVWSKIE

ClinVar aggregate classification (germline): Likely pathogenic (1 of 4 stars; one submission).

Conditions:
Intellectual developmental disorder with microcephaly and with or without ocular malformations or hypogonadotropic hypogonadism. Also called: Intellectual disability, autosomal dominant 27; Coffin-Siris Syndrome 9. Identifiers: Orphanet 1465, MedGen C4014528, MONDO:0014376, OMIM 615866.

Submission:

SIB Swiss Institute of Bioinformatics
Classification: Likely pathogenic for Intellectual developmental disorder with microcephaly and with or without ocular malformations or hypogonadotropic hypogonadism. Last evaluated: 2023-03-09. Review status: criteria provided, single submitter. Criteria: ACMG Guidelines, 2015. Collection method: curation. Allele origin: unknown.
Comment: This variant is interpreted as likely pathogenic for Intellectual developmental disorder with microcephaly and with or without ocular malformations or hypogonadotropic hypogonadism, autosomal dominant. The following ACMG Tag(s) were applied: Absent from controls (or at extremely low frequency if recessive) in Exome Sequencing Project, 1000 Genomes Project, or Exome Aggregation Consortium (PM2); Located in a mutational hot spot and/or critical and well-established functional domain (e.g., active site of an enzyme) without benign variation (PM1); Multiple lines of computational evidence support a deleterious effect on the gene or gene product (PP3); Assumed de novo, but no confirmation of paternity and maternity (PM6).

Literature cited by the submitters: PubMed 35341651.